The following is an entry in ClinVar:

NM_000038.6(APC):c.1139G>A (p.Arg380Gln)

Gene: APC (APC regulator of Wnt signaling pathway; plus strand). Cytogenetic location: 5q22.2.
Variant type: single nucleotide variant.
Coding change: c.1139G>A on transcript NM_000038.6 (MANE Select); coding-DNA position 1139, G replaced by A.
Protein change: p.Arg380Gln; replaces arginine 380 with glutamine.
Molecular consequence: missense variant. On other transcripts: intron variant (4).
Genome position (GRCh38, 1-based): chr5:112,819,171, G>A. VCF-style: chr5-112819171-G-A. GRCh37 (hg19) VCF-style: chr5-112154868-G-A.
Other names: p.R380Q:CGG>CAG; c.1139G>A, p.Arg380Gln (NM_001127510.3, NM_001354895.2, NM_001354896.2); c.1085G>A, p.Arg362Gln (NM_001127511.3); c.1169G>A, p.Arg390Gln (NM_001354897.2); c.1064G>A, p.Arg355Gln (NM_001354898.2); c.1055G>A, p.Arg352Gln (NM_001354899.2); c.962G>A, p.Arg321Gln (NM_001354900.2, NM_001354901.2); c.290G>A, p.Arg97Gln (NM_001354906.2); and 4 more; short protein forms R362Q, R380Q, R390Q, R97Q, R321Q, R352Q, R355Q.
Identifiers: ClinVar variation 143004 (VCV000143004.35), dbSNP rs587782886, ClinGen allele CA004061.

ClinVar aggregate classification (germline): Conflicting classifications of pathogenicity. Review status: criteria provided, conflicting classifications (1 of 4 stars). 12 submissions from 12 submitters: Uncertain significance (1); Benign (1); Likely benign (9). 1 of the submissions does not count toward it. Last evaluated 2026-01-25.

Conditions:
APC-related disorder. Also called: APC-related condition.
Hereditary cancer-predisposing syndrome. Also called: Hereditary Cancer Syndrome; Neoplastic Syndromes, Hereditary; Hereditary neoplastic syndrome; Tumor predisposition. Identifiers: Orphanet 140162, MedGen C0027672, MeSH D009386, MONDO:0015356.
Familial adenomatous polyposis 1 (FAP1). Also called: FAMILIAL ADENOMATOUS POLYPOSIS 1, ATTENUATED; POLYPOSIS, ADENOMATOUS INTESTINAL. Identifiers: MedGen C2713442, MONDO:0021056, OMIM 175100. Disease mechanism: loss of function.

Allele frequency attached by ClinVar (database versions not stated): gnomAD 0.00005 and 0.00006; ExAC 0.00006; TOPMed 0.00006; gnomAD exomes 0.00008.
gnomAD v4.1: 150 of 1,613,826 alleles (0.0093%); highest among the groups gnomAD compares: Admixed American, 0.03%; no homozygotes.

Submissions (12):

Labcorp Genetics (formerly Invitae), Labcorp
Classification: Benign for Familial adenomatous polyposis 1. Last evaluated: 2026-01-25. Review status: criteria provided, single submitter. Criteria: Invitae Variant Classification Sherloc (09022015). Collection method: clinical testing. Allele origin: germline.

Women's Health and Genetics/Laboratory Corporation of America, LabCorp
Classification: Likely benign. Last evaluated: 2025-08-11. Review status: criteria provided, single submitter. Criteria: LabCorp Variant Classification Summary - May 2015. Collection method: clinical testing. Allele origin: germline.
Comment: Variant summary: APC c.1139G>A (p.Arg380Gln) results in a conservative amino acid change located in the Armadillo repeat of the encoded protein sequence. Algorithms developed to predict the effect of missense changes on protein structure and function are either unavailable or do not agree on the potential impact of this missense change. The variant allele was found at a frequency of 8.4e-05 in 250708 control chromosomes, predominantly at a frequency of 0.00029 within the Latino subpopulation in the gnomAD database. The observed variant frequency within Latino control individuals in the gnomAD database is approximately 4.06 fold of the estimated maximal expected allele frequency for a pathogenic variant in APC causing Familial Adenomatous Polyposis phenotype (7.1e-05). c.1139G>A has been reported in the literature in settings of multigene panel testing among individuals affected with Familial Adenomatous Polyposis/colorectal cancer (e.g., Kerr_2013, Hansen_2017, Castellanos_2017). These reports do not provide unequivocal conclusions about association of the variant with Familial Adenomatous Polyposis. To our knowledge, no experimental evidence demonstrating an impact on protein function has been reported. The following publications have been ascertained in the context of this evaluation (PMID: 23159591, 28195393, 28051113). ClinVar contains an entry for this variant (Variation ID: 143004). Based on the evidence outlined above, the variant was classified as likely benign.

Quest Diagnostics Nichols Institute San Juan Capistrano
Classification: Likely benign. Last evaluated: 2025-03-21. Review status: criteria provided, single submitter. Criteria: Quest Diagnostics criteria. Collection method: clinical testing. Allele origin: unknown.

Center for Genomic Medicine, Rigshospitalet, Copenhagen University Hospital
Classification: Likely benign. Last evaluated: 2025-03-04. Review status: criteria provided, single submitter. Criteria: ACMG Guidelines, 2015. Collection method: clinical testing. Allele origin: germline.

Molecular Diagnostics Laboratory, Catalan Institute of Oncology
Classification: Likely benign for Hereditary cancer-predisposing syndrome. Last evaluated: 2025-02-10. Review status: criteria provided, single submitter. Criteria: ClinGen ACMG Specifications APC V1.0.0. Collection method: clinical testing. Allele origin: germline.
Comment: BS1, BP1 c.1139G>A, located in exon 10 of the APC gene, is predicted to result in the substitution of Arg by Gln at codon 380, p.(Arg380Gln) (BP1). The variant allele was found in 10/35024 alleles, with a filter allele frequency of 0.015% at 95% confidence, within the Latino population in the gnomAD v2.1.1 database (non-cancer data set) (BS1). The SpliceAI algorithm predicts no significant impact on splicing. To our knowledge, functional studies have not been reported for this variant. At present ClinVar does not describe pathogenic or likely pathogenic missense variants in this codon. This variant has been reported in individuals affected with colorectal, endometrial, ovarian or breast cancer, and also in patients with multiple colorectal polyps (internal data and PMIDs: 28195393, 28051113, 23159591). This variant has been reported in the ClinVar (1x benign, 9x likely benign, 1x uncertain significance) and LOVD (2x uncertain significance) databases. Based on currently available information, the variant c.1139G>A should be considered a likely benign variant.

Myriad Genetics, Inc.
Classification: Likely benign for Familial adenomatous polyposis 1. Last evaluated: 2024-02-29. Review status: criteria provided, single submitter. Criteria: Myriad Autosomal Dominant, Autosomal Recessive and X-Linked Classification Criteria (2023). Collection method: clinical testing. Allele origin: unknown.
Comment: This variant is considered likely benign. This variant has been observed at a population frequency that is significantly greater than expected given the associated disease prevalence and penetrance.

Color Diagnostics, LLC DBA Color Health
Classification: Likely benign for Hereditary cancer-predisposing syndrome. Last evaluated: 2022-01-03. Review status: criteria provided, single submitter. Criteria: ACMG Guidelines, 2015. Collection method: clinical testing. Allele origin: germline.

GeneDx
Classification: Likely benign. Last evaluated: 2021-02-08. Review status: criteria provided, single submitter. Criteria: GeneDx Variant Classification Process June 2021. Collection method: clinical testing. Allele origin: germline. Affected: yes.
Comment: This variant is associated with the following publications: (PMID: 28195393, 23159591, 28051113)

Sema4
Classification: Likely benign for Hereditary cancer-predisposing syndrome. Last evaluated: 2020-12-28. Review status: criteria provided, single submitter. Criteria: Sema4 Curation Guidelines. Collection method: curation. Allele origin: germline.

Ambry Genetics
Classification: Likely benign for Hereditary cancer-predisposing syndrome. Last evaluated: 2018-08-27. Review status: criteria provided, single submitter. Criteria: Ambry Variant Classification Scheme 2023. Collection method: clinical testing. Allele origin: germline.

Mendelics
Classification: Uncertain significance for Familial adenomatous polyposis 1. Last evaluated: 2018-07-02. Review status: criteria provided, single submitter. Criteria: Mendelics Assertion Criteria 2017. Collection method: clinical testing. Allele origin: unknown.

PreventionGenetics, part of Exact Sciences
Classification: Likely benign for APC-related condition. Last evaluated: 2023-05-26. Review status: no assertion criteria provided. Collection method: clinical testing. Allele origin: germline. Not counted in ClinVar's aggregate classification.
Comment: This variant is classified as likely benign based on ACMG/AMP sequence variant interpretation guidelines (Richards et al. 2015 PMID: 25741868, with internal and published modifications).

Literature cited by the submitters: PubMed 23159591 (cited by 3 submitters); PubMed 28195393 (cited by 3 submitters); PubMed 28051113 (cited by Women's Health and Genetics/Laboratory Corporation of America, LabCorp and Quest Diagnostics Nichols Institute San Juan Capistrano); PubMed 29338072 (cited by Quest Diagnostics Nichols Institute San Juan Capistrano); PubMed 30202008 (cited by Quest Diagnostics Nichols Institute San Juan Capistrano); PubMed 29371908 (cited by Quest Diagnostics Nichols Institute San Juan Capistrano); PubMed 29192238 (cited by Quest Diagnostics Nichols Institute San Juan Capistrano).